The following is an entry in ClinVar:

NM_152564.5(VPS13B):c.5548_5549insCG (p.Leu1850fs)

Gene: VPS13B (vacuolar protein sorting 13 homolog B; plus strand). Cytogenetic location: 8q22.2.
Variant type: Insertion.
Coding change: c.5548_5549insCG on transcript NM_152564.5 (MANE Select); coding-DNA positions 5548 to 5549, CG inserted.
Protein change: p.Leu1850fs; shifts the reading frame from leucine 1850.
Molecular consequence: frameshift variant.
Genome position: GRCh38 VCF-style: chr8-99642138-T-TCG. GRCh37 (hg19) VCF-style: chr8-100654366-T-TCG.
Other names: c.5623_5624insCG, p.Leu1875fs (NM_017890.5); short protein forms L1875fs, L1850fs.
Identifiers: ClinVar variation 5004538 (VCV005004538.1).

ClinVar aggregate classification (germline): Pathogenic (1 of 4 stars; one submission).

Conditions:
Cohen syndrome (COH1). Also called: PEPPER SYNDROME; Cutis verticis gyrata, retinitis pigmentosa, and sensorineural deafness. Identifiers: Orphanet 193, MedGen C0265223, MONDO:0008999, OMIM 216550.

Submission:

Myriad Genetics, Inc.
Classification: Pathogenic for Cohen syndrome. Last evaluated: 2026-03-16. Review status: criteria provided, single submitter. Criteria: Myriad Autosomal Dominant, Autosomal Recessive and X-Linked Classification Criteria (2023). Collection method: clinical testing. Allele origin: unknown.
Comment: NM_017890.4(VPS13B):c.5623_5624insCG(L1875Sfs*2) is a frameshift variant classified as pathogenic in the context of Cohen syndrome. L1875Sfs*2 has not been observed in cases with relevant disease. Relevant functional assessments of this variant are not available in the literature. L1875Sfs*2 has not been observed in referenced population frequency databases. In summary, NM_017890.4(VPS13B):c.5623_5624insCG(L1875Sfs*2) is a frameshift variant in a gene where loss of function is a known mechanism of disease and is predicted to disrupt protein function. Please note: this variant was assessed in the context of healthy population screening.